The following is an entry in ClinVar:

NM_000297.4(PKD2):c.386C>A (p.Ser129Ter)

Genes: PKD2 (polycystin 2, transient receptor potential cation channel; plus strand), LOC129992813 (ATAC-STARR-seq lymphoblastoid silent region 15559; plus strand). Cytogenetic location: 4q22.1.
Variant type: single nucleotide variant.
Coding change: c.386C>A on transcript NM_000297.4 (MANE Select); coding-DNA position 386, C replaced by A.
Protein change: p.Ser129Ter; replaces serine 129 with a stop codon.
Molecular consequence: nonsense. On other transcripts: non-coding transcript variant (1).
Genome position (GRCh38, 1-based): chr4:88,008,119, C>A. VCF-style: chr4-88008119-C-A. GRCh37 (hg19) VCF-style: chr4-88929271-C-A.
Other names: c.386C>A, p.Ser129Ter (NM_001440544.1); short protein forms S129*.
Identifiers: ClinVar variation 4857243 (VCV004857243.1).

ClinVar aggregate classification (germline): Pathogenic (1 of 4 stars; one submission).

Conditions:
Polycystic kidney disease 2 (PKD2). Also called: Polycystic Kidney Disease 2, Autosomal Dominant; POLYCYSTIC KIDNEY DISEASE, ADULT, TYPE II; POLYCYSTIC KIDNEY DISEASE 2 WITH OR WITHOUT POLYCYSTIC LIVER DISEASE. Identifiers: MedGen C2751306, MONDO:0013131, OMIM 613095.

Submission:

MVZ Medizinische Genetik Mainz
Classification: Pathogenic for Polycystic kidney disease 2. Last evaluated: 2026-05-28. Review status: criteria provided, single submitter. Criteria: UK Practice Guidelines For Variant Classification V4 01 2020. Collection method: clinical testing. Allele origin: germline. Inheritance: Autosomal dominant inheritance. Affected: yes. Observed: 1 variant allele.
Comment: ACMG Criteria: PVS1,PM2_SUP,PP4